The following is an entry in ClinVar:

ClinVar aggregate classification (germline): Uncertain significance (1 of 4 stars; one submission).

Conditions:
Developmental and epileptic encephalopathy, 11 (DEE11). Also called: Early infantile epileptic encephalopathy 11. Identifiers: Orphanet 1934, MedGen C3150987, MONDO:0013388, OMIM 613721.
Seizures, benign familial infantile, 3 (BFIS3). Also called: CONVULSIONS, BENIGN FAMILIAL INFANTILE, 3; Familial neonatal seizures. Identifiers: Orphanet 140927, Orphanet 306, MedGen C1843140, MONDO:0011904, OMIM 607745.

Allele frequency attached by ClinVar (database versions not stated): gnomAD exomes below 0.00001.

Submission:

Labcorp Genetics (formerly Invitae), Labcorp
Classification: Uncertain significance for Seizures, benign familial infantile, 3; Developmental and epileptic encephalopathy, 11. Last evaluated: 2024-10-23. Review status: criteria provided, single submitter. Criteria: Invitae Variant Classification Sherloc (09022015). Collection method: clinical testing. Allele origin: germline.
Comment: This sequence change replaces methionine, which is neutral and non-polar, with valine, which is neutral and non-polar, at codon 1694 of the SCN2A protein (p.Met1694Val). This variant is not present in population databases (gnomAD no frequency). This variant has not been reported in the literature in individuals affected with SCN2A-related conditions. Invitae Evidence Modeling of protein sequence and biophysical properties (such as structural, functional, and spatial information, amino acid conservation, physicochemical variation, residue mobility, and thermodynamic stability) has been performed for this missense variant. However, the output from this modeling did not meet the statistical confidence thresholds required to predict the impact of this variant on SCN2A protein function. In summary, the available evidence is currently insufficient to determine the role of this variant in disease. Therefore, it has been classified as a Variant of Uncertain Significance.

NM_001040142.2(SCN2A):c.5080A>G (p.Met1694Val)

Gene: SCN2A (sodium voltage-gated channel alpha subunit 2; plus strand). Cytogenetic location: 2q24.3.
Variant type: single nucleotide variant.
Coding change: c.5080A>G on transcript NM_001040142.2 (MANE Select); coding-DNA position 5080, A replaced by G.
Protein change: p.Met1694Val; replaces methionine 1694 with valine.
Molecular consequence: missense variant.
Genome position (GRCh38, 1-based): chr2:165,388,886, A>G. VCF-style: chr2-165388886-A-G. GRCh37 (hg19) VCF-style: chr2-166245396-A-G.
Other names: c.5080A>G, p.Met1694Val (NM_001040143.2, NM_001371246.1, NM_001371247.1 and 1 more transcripts); short protein forms M1694V.
Identifiers: ClinVar variation 2944441 (VCV002944441.3), dbSNP rs2468158241, ClinGen allele CA349038147.
Genomic context (GRCh38, chr2:165,388,886, plus strand): 5'-TACGCCATCTTTGGGATGTCCAATTTTGCCTATGTTAAGAGGGAAGTTGGGATCGATGAC[A>G]TGTTCAACTTTGAGACCTTTGGCAACAGCATGATCTGCCTGTTCCAAATTACAACCTCTG-3'
Protein context (NP_001035232.1, residues 1684-1704): YVKREVGIDD[Met1694Val]FNFETFGNSM